The following is an entry in ClinVar:

NM_000227.6(LAMA3):c.129_130del (p.Gln45fs)

Genes: LAMA3 (laminin subunit alpha 3; plus strand), LOC126862707 (MED14-independent group 3 enhancer GRCh37_chr18:21452354-21453553; plus strand). Cytogenetic location: 18q11.2.
Variant type: Deletion.
Coding change: c.129_130del on transcript NM_000227.6 (MANE Plus Clinical); coding-DNA positions 129 to 130, 2 bases deleted (AA; older notation c.129_130delAA).
Protein change: p.Gln45fs; shifts the reading frame from glutamine 45.
Molecular consequence: frameshift variant. On other transcripts: intron variant (2).
Genome position (GRCh38, 1-based): chr18:23,873,173-23,873,174, AA deleted; deleting any 2 consecutive bases within chr18:23,873,172-23,873,174 gives the same sequence; the c. name uses the placement nearest the transcript's 3' end. VCF-style (leftmost placement, unchanged base first): chr18-23873171-CAA-C. GRCh37 (hg19) VCF-style: chr18-21453135-CAA-C.
Other names: c.129_130del, p.Gln45fs (NM_001127718.4); c.4998+1512_4998+1513del (NM_198129.4, NM_001127717.4); short protein forms Q45fs.
Identifiers: ClinVar variation 2838145 (VCV002838145.3), dbSNP rs2511225579, ClinGen allele CA2739268576.

ClinVar aggregate classification (germline): Pathogenic (1 of 4 stars; one submission).

Submission:

Labcorp Genetics (formerly Invitae), Labcorp
Classification: Pathogenic. Last evaluated: 2023-02-16. Review status: criteria provided, single submitter. Criteria: Invitae Variant Classification Sherloc (09022015). Collection method: clinical testing. Allele origin: germline.
Comment: For these reasons, this variant has been classified as Pathogenic. This variant has not been reported in the literature in individuals affected with LAMA3-related conditions. This variant is not present in population databases (gnomAD no frequency). This sequence change creates a premature translational stop signal (p.Gln45Thrfs*9) in the LAMA3 gene. It is expected to result in an absent or disrupted protein product. Loss-of-function variants in LAMA3 are known to be pathogenic (PMID: 10366601, 11810295, 12915477, 16473856, 17362460, 22434185, 23869449, 27827380, 28087116).

Literature cited by the submitters: PubMed 10366601; PubMed 11810295; PubMed 12915477; PubMed 16473856; PubMed 17362460; PubMed 22434185; PubMed 23869449; PubMed 27827380; PubMed 28087116.